The following is an entry in ClinVar:

ClinVar aggregate classification (germline): Uncertain significance (1 of 4 stars; one submission).

Conditions:
Developmental and epileptic encephalopathy, 54. Also called: HNRNPU-Related Neurodevelopmental Disorder; Epileptic encephalopathy, early infantile, 54. Identifiers: MedGen C4479319, MONDO:0033363, OMIM 617391.

Submission:

Labcorp Genetics (formerly Invitae), Labcorp
Classification: Uncertain significance for Developmental and epileptic encephalopathy, 54. Last evaluated: 2022-10-28. Review status: criteria provided, single submitter. Criteria: Invitae Variant Classification Sherloc (09022015). Collection method: clinical testing. Allele origin: germline.
Comment: In summary, the available evidence is currently insufficient to determine the role of this variant in disease. Therefore, it has been classified as a Variant of Uncertain Significance. Advanced modeling of protein sequence and biophysical properties (such as structural, functional, and spatial information, amino acid conservation, physicochemical variation, residue mobility, and thermodynamic stability) has been performed at Invitae for this missense variant, however the output from this modeling did not meet the statistical confidence thresholds required to predict the impact of this variant on HNRNPU protein function. This variant has not been reported in the literature in individuals affected with HNRNPU-related conditions. This variant is not present in population databases (gnomAD no frequency). This sequence change replaces arginine, which is basic and polar, with threonine, which is neutral and polar, at codon 702 of the HNRNPU protein (p.Arg702Thr).

NM_031844.3(HNRNPU):c.2105G>C (p.Arg702Thr)

Gene: HNRNPU (heterogeneous nuclear ribonucleoprotein U; minus strand). Cytogenetic location: 1q44.
Variant type: single nucleotide variant.
Coding change: c.2105G>C on transcript NM_031844.3 (MANE Select); coding-DNA position 2105, G replaced by C.
Protein change: p.Arg702Thr; replaces arginine 702 with threonine.
Molecular consequence: missense variant.
Genome position (GRCh38, 1-based): chr1:244,855,966, C>G on the plus strand (G>C on the coding strand, the complement: HNRNPU is on the minus strand). VCF-style: chr1-244855966-C-G. GRCh37 (hg19) VCF-style: chr1-245019268-C-G.
Other names: c.2048G>C, p.Arg683Thr (NM_004501.3); short protein forms R702T, R683T.
Identifiers: ClinVar variation 2011202 (VCV002011202.4), dbSNP rs2527504082, ClinGen allele CA345487853.